The following is an entry in ClinVar:

ClinVar aggregate classification (germline): Uncertain significance. Review status: criteria provided, multiple submitters, no conflicts (2 of 4 stars). 2 submissions from 2 submitters: Uncertain significance (2). Last evaluated 2025-09-10.

Conditions:
Inborn genetic diseases. Identifiers: MedGen C0950123, MeSH D030342.

Allele frequency attached by ClinVar (database versions not stated): ExAC 0.00002; gnomAD exomes 0.00002; TOPMed 0.00006; gnomAD 0.00011 and 0.00012.
gnomAD v4.1: 44 of 1,613,576 alleles (0.0027%); highest among the groups gnomAD compares: African/African-American, 0.024%; no homozygotes.

Submissions (2):

Ambry Genetics
Classification: Uncertain significance for Inborn genetic diseases. Last evaluated: 2025-09-10. Review status: criteria provided, single submitter. Criteria: Ambry Variant Classification Scheme 2023. Collection method: clinical testing. Allele origin: germline.

Labcorp Genetics (formerly Invitae), Labcorp
Classification: Uncertain significance. Last evaluated: 2021-10-05. Review status: criteria provided, single submitter. Criteria: Invitae Variant Classification Sherloc (09022015). Collection method: clinical testing. Allele origin: germline.
Comment: This sequence change replaces proline with leucine at codon 1955 of the EXPH5 protein (p.Pro1955Leu). The proline residue is highly conserved and there is a moderate physicochemical difference between proline and leucine. This variant is present in population databases (rs767514994, ExAC 0.01%). This variant has not been reported in the literature in individuals affected with EXPH5-related conditions. Algorithms developed to predict the effect of missense changes on protein structure and function output the following: SIFT: "Deleterious"; PolyPhen-2: "Benign"; Align-GVGD: "Class C0". The leucine amino acid residue is found in multiple mammalian species, which suggests that this missense change does not adversely affect protein function. In summary, the available evidence is currently insufficient to determine the role of this variant in disease. Therefore, it has been classified as a Variant of Uncertain Significance.

NM_015065.3(EXPH5):c.5864C>T (p.Pro1955Leu)

Gene: EXPH5 (exophilin 5; minus strand). Cytogenetic location: 11q22.3.
Variant type: single nucleotide variant.
Coding change: c.5864C>T on transcript NM_015065.3 (MANE Select); coding-DNA position 5864, C replaced by T.
Protein change: p.Pro1955Leu; replaces proline 1955 with leucine.
Molecular consequence: missense variant.
Genome position (GRCh38, 1-based): chr11:108,509,643, G>A on the plus strand (C>T on the coding strand, the complement: EXPH5 is on the minus strand). VCF-style: chr11-108509643-G-A. GRCh37 (hg19) VCF-style: chr11-108380370-G-A.
Other names: c.5636C>T, p.Pro1879Leu (NM_001144763.2); c.5396C>T, p.Pro1799Leu (NM_001144764.2); c.5300C>T, p.Pro1767Leu (NM_001144765.2); c.5843C>T, p.Pro1948Leu (NM_001308019.2); c.5864C>T (NM_015065.2); short protein forms P1948L, P1955L, P1799L, P1767L, P1879L.
Identifiers: ClinVar variation 1451061 (VCV001451061.4), dbSNP rs767514994, ClinGen allele CA6267264.